The following is an entry in ClinVar:

NM_000179.3(MSH6):c.399T>C (p.Phe133=)

Gene: MSH6 (mutS homolog 6; plus strand). Cytogenetic location: 2p16.3.
Variant type: single nucleotide variant.
Coding change: c.399T>C on transcript NM_000179.3 (MANE Select); coding-DNA position 399, T replaced by C.
Protein change: p.Phe133=; no amino-acid change (phenylalanine 133 retained).
Molecular consequence: synonymous variant. On other transcripts: 5 prime UTR variant (2), intron variant (1).
Genome position (GRCh38, 1-based): chr2:47,791,065, T>C. VCF-style: chr2-47791065-T-C. GRCh37 (hg19) VCF-style: chr2-48018204-T-C.
Other names: c.-338T>C (NM_001281493.2); c.-504T>C (NM_001281494.2); c.238-7546T>C (NM_001281492.2).
Identifiers: ClinVar variation 386633 (VCV000386633.3), dbSNP rs1057522556, ClinGen allele CA16604295.

ClinVar aggregate classification (germline): Benign/Likely benign. Review status: criteria provided, multiple submitters, no conflicts (2 of 4 stars). 3 submissions from 3 submitters: Benign (1); Likely benign (2). Last evaluated 2026-07-04.

Conditions:
Lynch syndrome 5 (LYNCH5). Also called: Hereditary non-polyposis colorectal cancer, type 5; Colorectal cancer, hereditary nonpolyposis, type 5. Identifiers: Orphanet 144, MedGen C1833477, MONDO:0013710, OMIM 614350. Disease mechanism: loss of function.
Hereditary cancer-predisposing syndrome. Also called: Neoplastic Syndromes, Hereditary; Hereditary Cancer Syndrome; Tumor predisposition; Hereditary neoplastic syndrome. Identifiers: Orphanet 140162, MedGen C0027672, MeSH D009386, MONDO:0015356.

Submissions (3):

Ambry Genetics
Classification: Likely benign for Hereditary cancer-predisposing syndrome. Last evaluated: 2026-07-04. Review status: criteria provided, single submitter. Criteria: Ambry Variant Classification Scheme 2023. Collection method: clinical testing. Allele origin: germline.

Myriad Genetics, Inc.
Classification: Benign for Lynch syndrome 5. Last evaluated: 2024-12-18. Review status: criteria provided, single submitter. Criteria: Myriad Autosomal Dominant, Autosomal Recessive and X-Linked Classification Criteria (2023). Collection method: clinical testing. Allele origin: unknown.
Comment: This variant is considered benign. This variant is a silent/synonymous amino acid change and it is not expected to impact splicing.

GeneDx
Classification: Likely benign. Last evaluated: 2016-05-25. Review status: criteria provided, single submitter. Criteria: GeneDx Variant Classification (06012015). Collection method: clinical testing. Allele origin: germline. Affected: yes.
Comment: This variant is considered likely benign or benign based on one or more of the following criteria: it is a conservative change, it occurs at a poorly conserved position in the protein, it is predicted to be benign by multiple in silico algorithms, and/or has population frequency not consistent with disease.